The following is an entry in ClinVar:

NM_000349.3(STAR):c.653_656dup (p.Glu219fs)

Gene: STAR (steroidogenic acute regulatory protein; minus strand). Cytogenetic location: 8p11.23.
Variant type: Duplication.
Coding change: c.653_656dup on transcript NM_000349.3 (MANE Select); coding-DNA positions 653 to 656, 4 bases duplicated (CGGA; older notation c.653_656dupCGGA).
Protein change: p.Glu219fs; shifts the reading frame from glutamic acid 219.
Molecular consequence: frameshift variant.
Genome position (GRCh38, 1-based): chr8:38,145,310-38,145,313, TCCG duplicated on the plus strand (CGGA on the coding strand, the reverse complement: STAR is on the minus strand). VCF-style (leftmost placement, unchanged base first): chr8-38145309-C-CTCCG. GRCh37 (hg19) VCF-style: chr8-38002827-C-CTCCG.
Other names: short protein forms E219fs.
Identifiers: ClinVar variation 5004566 (VCV005004566.1).
Genomic context (GRCh38, chr8:38,145,309, plus strand): 5'-AAGTTTGGTCTTAGAGGGACTTCCAGCCAACGGGTGAAGCACCATGCAAGTGGGACCGTG[C>CTCCG]TCCGCCCTGGCAAATGGAGAAGTCAAGTCAGGAGGACAGTTGCGAGTTCTCTCTTGCACT-3'

ClinVar aggregate classification (germline): Pathogenic (1 of 4 stars; one submission).

Conditions:
Congenital lipoid adrenal hyperplasia due to STAR deficency. Also called: Lipoid adrenal hyperplasia; Congenital Lipoid Adrenal Hyperplasia; Cholesterol monooxygenase (side-chain cleaving) deficiency; ADRENAL HYPERPLASIA I. Identifiers: Orphanet 418, Orphanet 90790, MedGen C0342474, MONDO:0008725, OMIM 201710.

Submission:

Myriad Genetics, Inc.
Classification: Pathogenic for Congenital lipoid adrenal hyperplasia due to STAR deficency. Last evaluated: 2026-03-27. Review status: criteria provided, single submitter. Criteria: Myriad Autosomal Dominant, Autosomal Recessive and X-Linked Classification Criteria (2023). Collection method: clinical testing. Allele origin: unknown.
Comment: NM_000349.2(STAR):c.653_656dupCGGA(E219Dfs*19) is a frameshift variant classified as pathogenic in the context of lipoid congenital adrenal hyperplasia. E219Dfs*19 has not been observed in cases with relevant disease. Relevant functional assessments of this variant are not available in the literature. E219Dfs*19 has not been observed in referenced population frequency databases. In summary, NM_000349.2(STAR):c.653_656dupCGGA(E219Dfs*19) is a frameshift variant in a gene where loss of function is a known mechanism of disease and is predicted to disrupt protein function. Please note: this variant was assessed in the context of healthy population screening.